The following is an entry in ClinVar:

ClinVar aggregate classification (germline): Uncertain significance (1 of 4 stars; one submission).

Conditions:
Multiple congenital anomalies-hypotonia-seizures syndrome 3 (MCAHS3). Also called: GLYCOSYLPHOSPHATIDYLINOSITOL BIOSYNTHESIS DEFECT 7. Identifiers: Orphanet 369837, MedGen C3809356, MONDO:0014165, OMIM 615398.

Submission:

Labcorp Genetics (formerly Invitae), Labcorp
Classification: Uncertain significance for Multiple congenital anomalies-hypotonia-seizures syndrome 3. Last evaluated: 2022-11-01. Review status: criteria provided, single submitter. Criteria: Invitae Variant Classification Sherloc (09022015). Collection method: clinical testing. Allele origin: germline.
Comment: Advanced modeling of protein sequence and biophysical properties (such as structural, functional, and spatial information, amino acid conservation, physicochemical variation, residue mobility, and thermodynamic stability) performed at Invitae indicates that this missense variant is not expected to disrupt PIGT protein function. In summary, the available evidence is currently insufficient to determine the role of this variant in disease. Therefore, it has been classified as a Variant of Uncertain Significance. This variant has not been reported in the literature in individuals affected with PIGT-related conditions. This variant is not present in population databases (gnomAD no frequency). This sequence change replaces leucine, which is neutral and non-polar, with phenylalanine, which is neutral and non-polar, at codon 531 of the PIGT protein (p.Leu531Phe).

NM_015937.6(PIGT):c.1591C>T (p.Leu531Phe)

Gene: PIGT (phosphatidylinositol glycan anchor biosynthesis class T; plus strand). Cytogenetic location: 20q13.12.
Variant type: single nucleotide variant.
Coding change: c.1591C>T on transcript NM_015937.6 (MANE Select); coding-DNA position 1591, C replaced by T.
Protein change: p.Leu531Phe; replaces leucine 531 with phenylalanine.
Molecular consequence: missense variant. On other transcripts: non-coding transcript variant (5).
Genome position (GRCh38, 1-based): chr20:45,425,680, C>T. VCF-style: chr20-45425680-C-T. GRCh37 (hg19) VCF-style: chr20-44054320-C-T.
Other names: c.1423C>T, p.Leu475Phe (NM_001184728.3); c.1390C>T, p.Leu464Phe (NM_001184729.3); c.1285C>T, p.Leu429Phe (NM_001184730.3); short protein forms L429F, L464F, L475F, L531F.
Identifiers: ClinVar variation 1716510 (VCV001716510.6), dbSNP rs2515567661, ClinGen allele CA409171417.